The following is an entry in ClinVar:

NM_001145809.2(MYH14):c.4617T>G (p.Arg1539=)

Gene: MYH14 (myosin heavy chain 14; plus strand). Cytogenetic location: 19q13.33.
Variant type: single nucleotide variant.
Coding change: c.4617T>G on transcript NM_001145809.2 (MANE Select); coding-DNA position 4617, T replaced by G.
Protein change: p.Arg1539=; no amino-acid change (arginine 1539 retained).
Molecular consequence: synonymous variant.
Genome position (GRCh38, 1-based): chr19:50,286,559, T>G. VCF-style: chr19-50286559-T-G. GRCh37 (hg19) VCF-style: chr19-50789816-T-G.
Other names: c.4518T>G, p.Arg1506= (NM_001077186.2); c.4494T>G, p.Arg1498= (NM_024729.4).
Identifiers: ClinVar variation 505306 (VCV000505306.15), dbSNP rs375866139, ClinGen allele CA9593561.

ClinVar aggregate classification (germline): Benign/Likely benign. Review status: criteria provided, multiple submitters, no conflicts (2 of 4 stars). 5 submissions from 5 submitters: Benign (1); Likely benign (3). 1 of the submissions does not count toward it. Last evaluated 2026-01-27.

Conditions:
MYH14-related disorder. Also called: MYH14-related condition.

Allele frequency attached by ClinVar (database versions not stated): gnomAD exomes 0.00019; ExAC 0.00030; gnomAD 0.00070 and 0.00075; 1000 Genomes Project 30x 0.00078; 1000 Genomes Project 0.00080; ESP Exome Variant Server 0.00087; TOPMed 0.00094.
gnomAD v4.1: 214 of 1,611,776 alleles (0.013%); highest among the groups gnomAD compares: African/African-American, 0.26%; 1 homozygote.

Submissions (5):

Labcorp Genetics (formerly Invitae), Labcorp
Classification: Benign. Last evaluated: 2026-01-27. Review status: criteria provided, single submitter. Criteria: Invitae Variant Classification Sherloc (09022015). Collection method: clinical testing. Allele origin: germline.

Blueprint Genetics
Classification: Likely benign. Last evaluated: 2022-07-15. Review status: criteria provided, single submitter. Criteria: ACMG Guidelines, 2015. Collection method: clinical testing. Allele origin: germline.

GeneDx
Classification: Likely benign. Last evaluated: 2021-06-16. Review status: criteria provided, single submitter. Criteria: GeneDx Variant Classification Process June 2021. Collection method: clinical testing. Allele origin: germline. Affected: yes.

Laboratory for Molecular Medicine, Mass General Brigham Personalized Medicine
Classification: Likely benign. Last evaluated: 2016-11-19. Review status: criteria provided, single submitter. Criteria: LMM Criteria. Collection method: clinical testing. Allele origin: germline. Observed: 1 variant allele.
Comment: p.Arg1539Arg in exon 34 of MYH14: This variant is not expected to have clinical significance because it does not alter an amino acid residue and is not located within the splice consensus sequence. In addition, it has been identified in 0.3 7% (26/7080) of African chromosomes by the Exome Aggregation Consortium (ExAC; dbSNP rs375866139).

PreventionGenetics, part of Exact Sciences
Classification: Likely benign for MYH14-related condition. Last evaluated: 2019-02-19. Review status: no assertion criteria provided. Collection method: clinical testing. Allele origin: germline. Not counted in ClinVar's aggregate classification.
Comment: This variant is classified as likely benign based on ACMG/AMP sequence variant interpretation guidelines (Richards et al. 2015 PMID: 25741868, with internal and published modifications).